The following is an entry in ClinVar:

NM_000551.4(VHL):c.-52C>A

Gene: VHL (von Hippel-Lindau tumor suppressor; plus strand). Cytogenetic location: 3p25.3.
Variant type: single nucleotide variant.
Coding change: c.-52C>A on transcript NM_000551.4 (MANE Select); 52 bases upstream of the start codon, C replaced by A.
Molecular consequence: 5 prime UTR variant. On other transcripts: non-coding transcript variant (1).
Genome position (GRCh38, 1-based): chr3:10,141,796, C>A. VCF-style: chr3-10141796-C-A. GRCh37 (hg19) VCF-style: chr3-10183480-C-A.
Other names: c.-52C>A (NM_001354723.2, NM_198156.3).
Identifiers: ClinVar variation 3762895 (VCV003762895.2).

ClinVar aggregate classification (germline): Uncertain significance (1 of 4 stars; one submission).

Conditions:
Chuvash polycythemia. Also called: POLYCYTHEMIA, VHL-DEPENDENT. Identifiers: Orphanet 238557, MedGen C1837915, MONDO:0009892, OMIM 263400.
Von Hippel-Lindau syndrome (VHLS). Also called: von Hippel–Lindau syndrome; VHL syndrome; Von Hippel-Lindau. Identifiers: Orphanet 892, MedGen C0019562, MONDO:0008667, OMIM 193300. Disease mechanism: loss of function.

gnomAD v4.1: 1 of 1,532,808 alleles (0.000065%); highest among the groups gnomAD compares: East Asian, 0.0025%; no homozygotes.

Submission:

Labcorp Genetics (formerly Invitae), Labcorp
Classification: Uncertain significance for Von Hippel-Lindau syndrome; Chuvash polycythemia. Last evaluated: 2025-05-13. Review status: criteria provided, single submitter. Criteria: Invitae Variant Classification Sherloc (09022015). Collection method: clinical testing. Allele origin: germline.
Comment: This variant occurs in a non-coding region of the VHL gene. It does not change the encoded amino acid sequence of the VHL protein. This variant is not present in population databases (gnomAD no frequency). This variant has not been reported in the literature in individuals affected with VHL-related conditions. ClinVar contains an entry for this variant (Variation ID: 3762895). In summary, the available evidence is currently insufficient to determine the role of this variant in disease. Therefore, it has been classified as a Variant of Uncertain Significance.